The following is an entry in ClinVar:

NM_000558.5(HBA1):c.121_124del (p.Lys41fs)

Genes: HBA1 (hemoglobin subunit alpha 1; plus strand), LOC106804613 (hemoglobin subunit alpha 1 recombination region; plus strand). Cytogenetic location: 16p13.3.
Variant type: Deletion.
Coding change: c.121_124del on transcript NM_000558.5 (MANE Select); coding-DNA positions 121 to 124, 4 bases deleted (AAGA; older notation c.121_124delAAGA).
Protein change: p.Lys41fs; shifts the reading frame from lysine 41.
Molecular consequence: frameshift variant.
Genome position (GRCh38, 1-based): chr16:176,954-176,957, AAGA deleted. VCF-style (leftmost placement, unchanged base first): chr16-176953-CAAGA-C. GRCh37 (hg19) VCF-style: chr16-226952-CAAGA-C.
Other names: short protein forms K41fs.
Identifiers: ClinVar variation 4814366 (VCV004814366.1).
Genomic context (GRCh38, chr16:176,953, plus strand): 5'-CCCAAACCCCACCCCTCACTCTGCTTCTCCCCGCAGGATGTTCCTGTCCTTCCCCACCAC[CAAGA>C]CCTACTTCCCGCACTTCGACCTGAGCCACGGCTCTGCCCAGGTTAAGGGCCACGGCAAGA-3'

ClinVar aggregate classification (germline): Likely pathogenic (1 of 4 stars; one submission).

Conditions:
alpha Thalassemia. Also called: Alpha thalassemia spectrum. Identifiers: Orphanet 846, MedGen C0002312, MONDO:0011399, OMIM 604131.

Submission:

Natera, Inc.
Classification: Likely pathogenic for Alpha thalassemia. Last evaluated: 2025-07-23. Review status: criteria provided, single submitter. Criteria: Natera Variant Classification Schema (03/2026). Collection method: clinical testing. Allele origin: germline.
Comment: The c.121_124del variant in HBA1 is a frameshift variant predicted to shift the reading frame beginning at codon 41 and leads to a stop codon 8 codons downstream. This variant is expected to result in nonsense mediated decay, truncation, or a dysfunctional protein product. This variant is rare in the general population with a frequency below the threshold expected for the associated phenotype(s). Given the available evidence, this variant is classified as Likely Pathogenic.